The following is an entry in ClinVar:

NM_001378454.1(ALMS1):c.200del (p.Ser67fs)

Gene: ALMS1 (ALMS1 centrosome and basal body associated protein; plus strand). Cytogenetic location: 2p13.1.
Variant type: Deletion.
Coding change: c.200del on transcript NM_001378454.1 (MANE Select); coding-DNA position 200, one base deleted (G; older notation c.200delG).
Protein change: p.Ser67fs; shifts the reading frame from serine 67.
Molecular consequence: frameshift variant.
Genome position (GRCh38, 1-based): chr2:73,386,068, G deleted. VCF-style (leftmost placement, unchanged base first): chr2-73386067-AG-A. GRCh37 (hg19) VCF-style: chr2-73613195-AG-A.
Other names: c.203del, p.Ser68fs (NM_015120.4); short protein forms S68fs, S67fs.
Identifiers: ClinVar variation 5006329 (VCV005006329.2).
Genomic context (GRCh38, chr2:73,386,067, plus strand): 5'-GAGGAAGAGGCGGGGCGGGAGTTGGACTCCGACTCTCACTACGGGCCCCAGCATCTGGAA[AG>A]TATAGACGACGAGGAGGACGAGGAGGCCAAGGCCTGGCTGCAGGCGCACCCCGGCAGGAT-3'

ClinVar aggregate classification (germline): Likely pathogenic (1 of 4 stars; one submission).

Conditions:
Alstrom syndrome (ALMS). Identifiers: Orphanet 64, MedGen C0268425, MONDO:0008763, OMIM 203800.

Submission:

Juno Genomics, Hangzhou Juno Genomics, Inc
Classification: Likely pathogenic for Alstrom syndrome. Review status: criteria provided, single submitter. Criteria: ACMG Guidelines, 2015. Collection method: clinical testing. Allele origin: germline.
Comment: Null variant in a gene where loss of function (LOF) is a known mechanism of disease.;Absent from controls (or at extremely low frequency if recessive) in Genome Aggregation Database.